The following is an entry in ClinVar:

ClinVar aggregate classification (germline): Benign/Likely benign. Review status: criteria provided, multiple submitters, no conflicts (2 of 4 stars). 4 submissions from 4 submitters: Benign (1); Likely benign (3). Last evaluated 2024-04-19.

Conditions:
Familial cancer of breast. Also called: hereditary breast carcinoma; BREAST CANCER, FAMILIAL; Hereditary breast cancer. Identifiers: Orphanet 227535, MedGen C0346153, MONDO:0016419, OMIM 114480. Disease mechanism: loss of function.
Ataxia-telangiectasia syndrome (AT). Also called: ATAXIA-TELANGIECTASIA, COMPLEMENTATION GROUP A; ATAXIA-TELANGIECTASIA, FRESNO VARIANT; Ataxia-telangiectasia; Ataxia-telangiectasia, complementation group D; AT, COMPLEMENTATION GROUP C; Ataxia-telangiectasia, complementation group E. Identifiers: Orphanet 100, MedGen C0004135, MONDO:0008840, OMIM 208900.
Hereditary cancer-predisposing syndrome. Also called: Neoplastic Syndromes, Hereditary; Tumor predisposition; Hereditary Cancer Syndrome; Hereditary neoplastic syndrome. Identifiers: Orphanet 140162, MedGen C0027672, MeSH D009386, MONDO:0015356.

Allele frequency attached by ClinVar (database versions not stated): gnomAD exomes below 0.00001; TOPMed below 0.00001; gnomAD 0.00001.

Submissions (4):

Myriad Genetics, Inc.
Classification: Benign for Familial cancer of breast. Last evaluated: 2024-04-19. Review status: criteria provided, single submitter. Criteria: Myriad Autosomal Dominant, Autosomal Recessive and X-Linked Classification Criteria (2023). Collection method: clinical testing. Allele origin: unknown.
Comment: This variant is considered benign. This variant is a silent/synonymous amino acid change and it is not expected to impact splicing.

Labcorp Genetics (formerly Invitae), Labcorp
Classification: Likely benign for Ataxia-telangiectasia syndrome. Last evaluated: 2024-01-21. Review status: criteria provided, single submitter. Criteria: Invitae Variant Classification Sherloc (09022015). Collection method: clinical testing. Allele origin: germline.

Ambry Genetics
Classification: Likely benign for Hereditary cancer-predisposing syndrome. Last evaluated: 2018-12-21. Review status: criteria provided, single submitter. Criteria: Ambry Variant Classification Scheme 2023. Collection method: clinical testing. Allele origin: germline.

GeneDx
Classification: Likely benign. Last evaluated: 2017-07-31. Review status: criteria provided, single submitter. Criteria: GeneDx Variant Classification (06012015). Collection method: clinical testing. Allele origin: germline. Affected: yes.
Comment: This variant is considered likely benign or benign based on one or more of the following criteria: it is a conservative change, it occurs at a poorly conserved position in the protein, it is predicted to be benign by multiple in silico algorithms, and/or has population frequency not consistent with disease.

NM_000051.4(ATM):c.433C>T (p.Leu145=)

Gene: ATM (ATM serine/threonine kinase; plus strand). Cytogenetic location: 11q22.3.
Variant type: single nucleotide variant.
Coding change: c.433C>T on transcript NM_000051.4 (MANE Select); coding-DNA position 433, C replaced by T.
Protein change: p.Leu145=; no amino-acid change (leucine 145 retained).
Molecular consequence: synonymous variant.
Genome position (GRCh38, 1-based): chr11:108,235,771, C>T. VCF-style: chr11-108235771-C-T. GRCh37 (hg19) VCF-style: chr11-108106498-C-T.
Other names: c.433C>T, p.Leu145= (NM_001351834.2).
Identifiers: ClinVar variation 516468 (VCV000516468.14), dbSNP rs587782328, ClinGen allele CA476670396.
Genomic context (GRCh38, chr11:108,235,771, plus strand): 5'-ATGGATACAGTGAAAGATTCATCTAATGGTGCTATTTACGGAGCTGATTGTAGCAACATA[C>T]TACTCAAAGACATTCTTTCTGTGAGAAAATACTGGTGTGAAATATCTCAGCAACAGTGGT-3'
Protein context (NP_000042.3, residues 135-155): AIYGADCSNI[Leu145=]LKDILSVRKY